The following is an entry in ClinVar:

NM_032444.4(SLX4):c.4964G>A (p.Arg1655Lys)

Gene: SLX4 (SLX4 structure-specific endonuclease subunit; minus strand). Cytogenetic location: 16p13.3.
Variant type: single nucleotide variant.
Coding change: c.4964G>A on transcript NM_032444.4 (MANE Select); coding-DNA position 4964, G replaced by A.
Protein change: p.Arg1655Lys; replaces arginine 1655 with lysine.
Molecular consequence: missense variant.
Genome position (GRCh38, 1-based): chr16:3,583,286, C>T on the plus strand (G>A on the coding strand, the complement: SLX4 is on the minus strand). VCF-style: chr16-3583286-C-T. GRCh37 (hg19) VCF-style: chr16-3633287-C-T.
Other names: c.4964G>A (LRG_503t1); short protein forms R1655K.
Identifiers: ClinVar variation 218817 (VCV000218817.4), dbSNP rs149726415, ClinGen allele CA249308.
Genomic context (GRCh38, chr16:3,583,286, plus strand): 5'-ATGCTTTCATGATGCTTCCTTTGATGTCGGGGGCCCTTGGTCTTAGCAGGTCCCTTGGGC[C>T]TATGGGCCCCAGGTCCTGTGGTGGCCTCCTGCTGGGCATGGACCCCTGCCCTTGAAGGCT-3'
Protein context (NP_115820.2, residues 1645-1665): QEATTGPGAH[Arg1655Lys]PKGPAKTKGP

ClinVar aggregate classification (germline): Uncertain significance. Review status: criteria provided, multiple submitters, no conflicts (2 of 4 stars). 3 submissions from 3 submitters: Uncertain significance (3). Last evaluated 2024-01-13.

Conditions:
Fanconi anemia (FA). Also called: Fanconi's anemia. Identifiers: Orphanet 84, MedGen C0015625, MeSH D005199, MONDO:0019391.

Allele frequency attached by ClinVar (database versions not stated): ExAC 0.00002; gnomAD 0.00003 and 0.00004; gnomAD exomes 0.00003 and 0.00009; TOPMed 0.00003; ESP Exome Variant Server 0.00008.

Submissions (3):

Labcorp Genetics (formerly Invitae), Labcorp
Classification: Uncertain significance for Fanconi anemia. Last evaluated: 2024-01-13. Review status: criteria provided, single submitter. Criteria: Invitae Variant Classification Sherloc (09022015). Collection method: clinical testing. Allele origin: germline.
Comment: This sequence change replaces arginine, which is basic and polar, with lysine, which is basic and polar, at codon 1655 of the SLX4 protein (p.Arg1655Lys). This variant is present in population databases (rs149726415, gnomAD 0.007%). This variant has not been reported in the literature in individuals affected with SLX4-related conditions. ClinVar contains an entry for this variant (Variation ID: 218817). Algorithms developed to predict the effect of missense changes on protein structure and function output the following: SIFT: "Not Available"; PolyPhen-2: "Benign"; Align-GVGD: "Not Available". The lysine amino acid residue is found in multiple mammalian species, which suggests that this missense change does not adversely affect protein function. In summary, the available evidence is currently insufficient to determine the role of this variant in disease. Therefore, it has been classified as a Variant of Uncertain Significance.

Sema4
Classification: Uncertain significance for Fanconi anemia. Last evaluated: 2021-11-15. Review status: criteria provided, single submitter. Criteria: Sema4 Curation Guidelines. Collection method: curation. Allele origin: germline.
Comment: The SLX4 c.4964G>A (p.R1655K) variant has been reported in heterozygosity in at least one individual with ovarian cancer (PMID: 32546565). It was observed in 9/129154 chromosomes of the Non-Finnish European subpopulation in the large and broad cohorts of the Genome Aggregation Database (PMID: 32461654). The variant has been reported in ClinVar (Variation ID 218817). In silico tools suggest the impact of the variant on protein function is benign, though these predictions have not been confirmed by functional studies. The evidence is insufficient to meet ACMG/AMP criteria for classifying the variant as benign or pathogenic. Thus, the clinical significance of this variant is currently uncertain.

Genomic Diagnostic Laboratory, Division of Genomic Diagnostics, Children's Hospital of Philadelphia
Classification: Uncertain significance. Last evaluated: 2015-07-01. Review status: criteria provided, single submitter. Criteria: DGD Variant Analysis Guidelines. Collection method: clinical testing. Allele origin: unknown.

Literature cited by the submitters: PubMed 32546565 (cited by Sema4).